The following is an entry in ClinVar:

ClinVar aggregate classification (germline): Pathogenic (1 of 4 stars; one submission).

Conditions:
Spastic paraplegia. Identifiers: MedGen C0037772, HP:0001258.

Submission:

Labcorp Genetics (formerly Invitae), Labcorp
Classification: Pathogenic for Spastic paraplegia. Last evaluated: 2023-01-15. Review status: criteria provided, single submitter. Criteria: Invitae Variant Classification Sherloc (09022015). Collection method: clinical testing. Allele origin: germline.
Comment: For these reasons, this variant has been classified as Pathogenic. This variant has not been reported in the literature in individuals affected with L1CAM-related conditions. This variant is not present in population databases (gnomAD no frequency). This sequence change creates a premature translational stop signal (p.Gln965*) in the L1CAM gene. It is expected to result in an absent or disrupted protein product. Loss-of-function variants in L1CAM are known to be pathogenic (PMID: 19846429).

Literature cited by the submitters: PubMed 19846429.

NM_001278116.2(L1CAM):c.2893C>T (p.Gln965Ter)

Gene: L1CAM (L1 cell adhesion molecule; minus strand). Cytogenetic location: Xq28.
Variant type: single nucleotide variant.
Coding change: c.2893C>T on transcript NM_001278116.2 (MANE Select); coding-DNA position 2893, C replaced by T.
Protein change: p.Gln965Ter; replaces glutamine 965 with a stop codon.
Molecular consequence: nonsense.
Genome position (GRCh38, 1-based): chrX:153,864,974, G>A on the plus strand (C>T on the coding strand, the complement: L1CAM is on the minus strand). VCF-style: chrX-153864974-G-A. GRCh37 (hg19) VCF-style: chrX-153130429-G-A.
Other names: c.2893C>T, p.Gln965Ter (NM_000425.5, NM_024003.3); c.2878C>T, p.Gln960Ter (NM_001143963.2); short protein forms Q960*, Q965*.
Identifiers: ClinVar variation 2828871 (VCV002828871.3), dbSNP rs2520970677, ClinGen allele CA415114405.